The following is an entry in ClinVar:

NM_016216.4(DBR1):c.1346C>T (p.Thr449Ile)

Gene: DBR1 (debranching RNA lariats 1; minus strand). Cytogenetic location: 3q22.3.
Variant type: single nucleotide variant.
Coding change: c.1346C>T on transcript NM_016216.4 (MANE Select); coding-DNA position 1346, C replaced by T.
Protein change: p.Thr449Ile; replaces threonine 449 with isoleucine.
Molecular consequence: missense variant.
Genome position (GRCh38, 1-based): chr3:138,162,178, G>A on the plus strand (C>T on the coding strand, the complement: DBR1 is on the minus strand). VCF-style: chr3-138162178-G-A. GRCh37 (hg19) VCF-style: chr3-137881020-G-A.
Other names: short protein forms T449I.
Identifiers: ClinVar variation 2180167 (VCV002180167.2), dbSNP rs2042910732, ClinGen allele CA354669832.
Genomic context (GRCh38, chr3:138,162,178, plus strand): 5'-CTGACATCAGAGAAACTTGCAGAAAACTCAGAAGCTTGATCAGAAGGTTCTACCGATGGT[G>A]TATTCATGCCACTATGTGCACTTACAATACTATCTTCATCTTCTTCTTCATCTAACATTA-3'
Protein context (NP_057300.2, residues 439-459): SIVSAHSGMN[Thr449Ile]PSVEPSDQAS

ClinVar aggregate classification (germline): Uncertain significance (1 of 4 stars; one submission).

Allele frequency attached by ClinVar (database versions not stated): gnomAD exomes below 0.00001; gnomAD 0.00001; TOPMed 0.00002.
gnomAD v4.1: 6 of 1,614,022 alleles (0.00037%); highest among the groups gnomAD compares: African/African-American, 0.004%; no homozygotes.

Submission:

Labcorp Genetics (formerly Invitae), Labcorp
Classification: Uncertain significance. Last evaluated: 2026-01-19. Review status: criteria provided, single submitter. Criteria: Invitae Variant Classification Sherloc (09022015). Collection method: clinical testing. Allele origin: germline.
Comment: This sequence change replaces threonine, which is neutral and polar, with isoleucine, which is neutral and non-polar, at codon 449 of the DBR1 protein (p.Thr449Ile). This variant is not present in population databases (gnomAD no frequency). This variant has not been reported in the literature in individuals affected with DBR1-related conditions. ClinVar contains an entry for this variant (Variation ID: 2180167). An algorithm developed to predict the effect of missense changes on protein structure and function (PolyPhen-2) suggests that this variant is likely to be tolerated. In summary, the available evidence is currently insufficient to determine the role of this variant in disease. Therefore, it has been classified as a Variant of Uncertain Significance.